The following is an entry in ClinVar:

NM_016146.6(TRAPPC4):c.23_24del (p.Val8fs)

Gene: TRAPPC4 (trafficking protein particle complex subunit 4; plus strand). Cytogenetic location: 11q23.3.
Variant type: Microsatellite.
Coding change: c.23_24del on transcript NM_016146.6 (MANE Select); coding-DNA positions 23 to 24, 2 bases deleted (TG; older notation c.23_24delTG).
Protein change: p.Val8fs; shifts the reading frame from valine 8.
Molecular consequence: frameshift variant. On other transcripts: 5 prime UTR variant (2).
Genome position (GRCh38, 1-based): chr11:119,018,818-119,018,819, TG deleted; deleting any 2 consecutive bases within chr11:119,018,816-119,018,819 gives the same sequence; the c. name uses the placement nearest the transcript's 3' end. VCF-style (leftmost placement, unchanged base first): chr11-119018815-ATG-A. GRCh37 (hg19) VCF-style: chr11-118889525-ATG-A.
Other names: c.-194TG[1] (NM_001318486.2); c.23_24del, p.Val8fs (NM_001318488.2, NM_001318489.2, NM_001318490.2 and 1 more transcripts); c.-402TG[1] (NM_001318492.2); short protein forms V8fs.
Identifiers: ClinVar variation 3378415 (VCV003378415.2).
Genomic context (GRCh38, chr11:119,018,815, plus strand): 5'-GGGTAGAGGCTGAATACCAGTTTCCGAGCGGCAAGGCAGCGATGGCGATTTTTAGTGTGT[ATG>A]TGGTGAACAAAGCTGGCGGCTTGATTTACCAGTTGGACAGCTACGCGCCACGGGCTGAGG-3'

ClinVar aggregate classification (germline): Likely pathogenic (1 of 4 stars; one submission).

Conditions:
Neurodevelopmental disorder with epilepsy, spasticity, and brain atrophy. Identifiers: MedGen C5394027, MONDO:0032894, OMIM 618741.

Submission:

Molecular Genetics Laboratory, Motol Hospital
Classification: Likely pathogenic for Neurodevelopmental disorder with epilepsy, spasticity, and brain atrophy. Last evaluated: 2024-11-20. Review status: criteria provided, single submitter. Criteria: ACMG Guidelines, 2015. Collection method: clinical testing. Allele origin: maternal. Affected: yes. Observed: 1 variant allele.
Comment: The pathogenic/likely pathogenic variants affecting the TRAPPC4 gene are well documented as a molecular cause of autosomal recessive "neurodevelopmental disorder with epilepsy, spasticity, and brain atrophy" (OMIM:618741) (PMID:32901138;32125366;31794024;34878169). To conclude, the variant is classified as likely pathogenic (ACMG PM2, PM3).

Literature cited by the submitters: PubMed 32901138; PubMed 32125366; PubMed 31794024; PubMed 34878169.